The following is an entry in ClinVar:

NM_007217.4(PDCD10):c.557+4_557+7del

Gene: PDCD10 (programmed cell death 10; minus strand). Cytogenetic location: 3q26.1.
Variant type: Microsatellite.
Coding change: c.557+4_557+7del on transcript NM_007217.4 (MANE Select); bases 4 to 7 of the intron after coding-DNA position 557, 4 bases deleted (AGTA; older notation c.557+4_557+7delAGTA).
Molecular consequence: splice donor variant.
Genome position (GRCh38, 1-based): chr3:167,687,227-167,687,230, TACT deleted on the plus strand (AGTA on the coding strand, the reverse complement: PDCD10 is on the minus strand); deleting any 4 consecutive bases within chr3:167,687,227-167,687,235 gives the same sequence; the c. name uses the placement nearest the transcript's 3' end. VCF-style (leftmost placement, unchanged base first): chr3-167687226-GTACT-G. GRCh37 (hg19) VCF-style: chr3-167405014-GTACT-G.
Other names: c.557+4_557+7delAGTA (NM_145860.1, NM_007217.3); c.557+4_557+7del (NM_145860.2, NM_145859.2).
Identifiers: ClinVar variation 468332 (VCV000468332.10), dbSNP rs1553759042, ClinGen allele CA658657343.

ClinVar aggregate classification (germline): Pathogenic/Likely pathogenic. Review status: criteria provided, multiple submitters, no conflicts (2 of 4 stars). 3 submissions from 3 submitters: Pathogenic (1); Likely pathogenic (1). 1 of the submissions does not count toward it. Last evaluated 2024-10-09.

Conditions:
Cerebral cavernous malformation 3. Also called: Familial Cerebral Cavernous Malformation 3. Identifiers: Orphanet 221061, MedGen C1864040, MONDO:0011305, OMIM 603285.

Submissions (3):

Victorian Clinical Genetics Services, Murdoch Childrens Research Institute
Classification: Likely pathogenic for Cerebral cavernous malformation 3. Last evaluated: 2024-10-09. Review status: criteria provided, single submitter. Criteria: ACMG Guidelines, 2015. Collection method: clinical testing. Allele origin: germline. Inheritance: Autosomal dominant inheritance. Affected: yes.
Comment: Based on the classification scheme VCGS_Germline_v1.3.4, this variant is classified as Likely pathogenic. Following criteria are met: 0102 - Loss of function is a known mechanism of disease in this gene and is associated with cerebral cavernous malformations-3 (MIM#603285). (I) 0107 - This gene is associated with autosomal dominant disease. (I) 0209 - Splice site variant suggested to affect splicing of the transcript with uncertain effect on protein sequence. Abnormal splicing of exon 8 (also annotated as exon 9 in previous literature), leading to a frameshift and a change in the position of stop codon has been described following cDNA analysis; however, the relevant data was not shown by the authors (PMID: 15543491). This abnormal splicing is not expected to result in nonsense-mediated decay (NMD). (SP) 0251 - This variant is heterozygous. (I) 0301 - Variant is absent from gnomAD (both v2 and v3). (SP) 0705 - No comparable splice site variants have previous evidence for pathogenicity. (I) 0803 - This variant has limited previous evidence of pathogenicity in unrelated individuals. This variant has been reported in ClinVar once as pathogenic and once as de novo in an individual with cerebral cavernous malformations (PMID: 15543491). (SP) 0905 - No published segregation evidence has been identified for this variant. (I) 1007 - No published functional evidence has been identified for this variant. (I) 1102 - Strong phenotype match for this individual. (SP) 1208 - Inheritance information for this variant is not currently available in this individual. (I) Legend: (SP) - Supporting pathogenic, (I) - Information, (SB) - Supporting benign

Labcorp Genetics (formerly Invitae), Labcorp
Classification: Pathogenic for Cerebral cavernous malformation 3. Last evaluated: 2017-02-20. Review status: criteria provided, single submitter. Criteria: Invitae Variant Classification Sherloc (09022015). Collection method: clinical testing. Allele origin: germline.
Comment: This sequence change falls in intron 7 of the PDCD10 gene. It does not directly change the encoded amino acid sequence of the PDCD10 protein, but it affects a nucleotide within the consensus splice site of the intron. For these reasons, this variant has been classified as Pathogenic. Nucleotide substitutions within the consensus splice site are relatively common causes of aberrant splicing (PMID: 17576681, 9536098). Algorithms developed to predict the effect of nucleotide changes on RNA splicing suggest that this variant may alter RNA splicing, but this prediction has not been confirmed by published transcriptional studies. Furthermore, cDNA analysis of the individual reported in PMID: 15543491 reported abnormal PDCD10 mRNA splicing. This variant has been shown to arise de novo in an individual affected with cerebral cavernous malformation (PMID: 15543491). This variant is also known as c.556_557+2del4 in the literature. This variant is not present in population databases (ExAC no frequency).

OMIM
Classification: Pathogenic for CEREBRAL CAVERNOUS MALFORMATIONS 3. Last evaluated: 2005-01-01. Review status: no assertion criteria provided. Collection method: literature only. Allele origin: germline. Not counted in ClinVar's aggregate classification.

Literature cited by the submitters: PubMed 15543491 (cited by 3 submitters); PubMed 17576681 (cited by Labcorp Genetics (formerly Invitae), Labcorp); PubMed 9536098 (cited by Labcorp Genetics (formerly Invitae), Labcorp).